The following is an entry in ClinVar:

ClinVar aggregate classification (germline): Uncertain significance (1 of 4 stars; one submission).

Conditions:
Xeroderma pigmentosum, group F (XPF). Also called: XERODERMA PIGMENTOSUM, COMPLEMENTATION GROUP F; XERODERMA PIGMENTOSUM VI; XP, GROUP F; ERCC4-Related Xeroderma Pigmentosum; XERODERMA PIGMENTOSUM, TYPE F; Xeroderma pigmentosum, type 6. Identifiers: MedGen C0268140, MONDO:0010215, OMIM 278760.
Fanconi anemia complementation group Q. Identifiers: Orphanet 84, MedGen C3808988, MONDO:0014108, OMIM 615272.
Cockayne syndrome. Identifiers: Orphanet 191, MedGen C0009207, MONDO:0016006.

Submission:

Labcorp Genetics (formerly Invitae), Labcorp
Classification: Uncertain significance for Fanconi anemia complementation group Q; Xeroderma pigmentosum, group F; Cockayne syndrome. Last evaluated: 2024-03-02. Review status: criteria provided, single submitter. Criteria: Invitae Variant Classification Sherloc (09022015). Collection method: clinical testing. Allele origin: germline.
Comment: This sequence change replaces glutamic acid, which is acidic and polar, with valine, which is neutral and non-polar, at codon 811 of the ERCC4 protein (p.Glu811Val). This variant is not present in population databases (gnomAD no frequency). This variant has not been reported in the literature in individuals affected with ERCC4-related conditions. Advanced modeling of protein sequence and biophysical properties (such as structural, functional, and spatial information, amino acid conservation, physicochemical variation, residue mobility, and thermodynamic stability) performed at Invitae indicates that this missense variant is expected to disrupt ERCC4 protein function with a positive predictive value of 80%. In summary, the available evidence is currently insufficient to determine the role of this variant in disease. Therefore, it has been classified as a Variant of Uncertain Significance.

NM_005236.3(ERCC4):c.2432A>T (p.Glu811Val)

Gene: ERCC4 (ERCC excision repair 4, endonuclease catalytic subunit; plus strand). Cytogenetic location: 16p13.12.
Variant type: single nucleotide variant.
Coding change: c.2432A>T on transcript NM_005236.3 (MANE Select); coding-DNA position 2432, A replaced by T.
Protein change: p.Glu811Val; replaces glutamic acid 811 with valine.
Molecular consequence: missense variant.
Genome position (GRCh38, 1-based): chr16:13,948,028, A>T. VCF-style: chr16-13948028-A-T. GRCh37 (hg19) VCF-style: chr16-14041885-A-T.
Other names: short protein forms E811V.
Identifiers: ClinVar variation 3753560 (VCV003753560.2).